The following is an entry in ClinVar:

ClinVar aggregate classification (germline): Likely benign. Review status: reviewed by expert panel (3 of 4 stars). 3 submissions from 3 submitters: Likely benign (1). 2 of the submissions do not count toward it. Last evaluated 2024-06-24.

Conditions:
Hereditary thrombocytopenia and hematologic cancer predisposition syndrome. Identifiers: Orphanet 71290, MedGen CN281654, MONDO:0011071.
Hereditary thrombocytopenia and hematological cancer predisposition syndrome associated with RUNX1. Also called: RUNX1 Familial Platelet Disorder with Associated Myeloid Malignancies; Familial Platelet Disorder with Propensity to Acute Myelogenous Leukemia; Familial thrombocytopenia with propensity to acute myelogenous leukemia; PLATELET DISORDER, ASPIRIN-LIKE. Identifiers: Orphanet 71290, MedGen C1832388, MeSH C563324, MONDO:0100083, OMIM 601399.
Inborn genetic diseases. Identifiers: MedGen C0950123, MeSH D030342.

Allele frequency attached by ClinVar (database versions not stated): gnomAD exomes 0.00001.
gnomAD v4.1: 3 of 1,585,578 alleles (0.00019%); highest among the groups gnomAD compares: Admixed American, 0.0018%; no homozygotes.

Submissions (3):

ClinGen Myeloid Malignancy Variant Curation Expert Panel
Classification: Likely benign for Hereditary thrombocytopenia and hematologic cancer predisposition syndrome. Last evaluated: 2024-06-24. Review status: reviewed by expert panel. Criteria: ClinGen MyeloMalig ACMG Specifications v2. Collection method: curation. Allele origin: germline. Inheritance: Autosomal dominant inheritance.
Comment: This synonymous variant has a SpliceAI score ≤ 0.20 (0.0) (BP4). Evolutionary conservation prediction algorithms predict the site as not being conserved (PhyloP score ≤ 2.0 (-0.628)) (BP7). In summary, this variant meets criteria to be classified as likely benign. ACMG/AMP criteria applied, as specified by the Myeloid Malignancy Variant Curation Expert Panel for RUNX1: BP4, BP7.

Ambry Genetics
Classification: Likely benign for Inborn genetic diseases. Last evaluated: 2025-04-11. Review status: criteria provided, single submitter. Criteria: Ambry Variant Classification Scheme 2023. Collection method: clinical testing. Allele origin: germline. Not counted in ClinVar's aggregate classification.

Labcorp Genetics (formerly Invitae), Labcorp
Classification: Likely benign for Hereditary thrombocytopenia and hematological cancer predisposition syndrome associated with RUNX1. Last evaluated: 2021-08-09. Review status: criteria provided, single submitter. Criteria: Invitae Variant Classification Sherloc (09022015). Collection method: clinical testing. Allele origin: germline. Not counted in ClinVar's aggregate classification.

NM_001754.5(RUNX1):c.1107G>C (p.Ser369=)

Gene: RUNX1 (RUNX family transcription factor 1; minus strand). Cytogenetic location: 21q22.12.
Variant type: single nucleotide variant.
Coding change: c.1107G>C on transcript NM_001754.5 (MANE Select); coding-DNA position 1107, G replaced by C.
Protein change: p.Ser369=; no amino-acid change (serine 369 retained).
Molecular consequence: synonymous variant.
Genome position (GRCh38, 1-based): chr21:34,792,471, C>G on the plus strand (G>C on the coding strand, the complement: RUNX1 is on the minus strand). VCF-style: chr21-34792471-C-G. GRCh37 (hg19) VCF-style: chr21-36164768-C-G.
Other names: NM_001754.5(RUNX1):c.1107G>C; p.Ser369=; c.1026G>C, p.Ser342= (NM_001001890.3); c.1107G>C (NM_001754.4).
Identifiers: ClinVar variation 1590229 (VCV001590229.10), dbSNP rs1445295022, ClinGen allele CA512341301.